The following is an entry in ClinVar:

NM_015272.5(RPGRIP1L):c.1264C>T (p.Gln422Ter)

Gene: RPGRIP1L (RPGRIP1 like; minus strand). Cytogenetic location: 16q12.2.
Variant type: single nucleotide variant.
Coding change: c.1264C>T on transcript NM_015272.5 (MANE Select); coding-DNA position 1264, C replaced by T.
Protein change: p.Gln422Ter; replaces glutamine 422 with a stop codon.
Molecular consequence: nonsense.
Genome position (GRCh38, 1-based): chr16:53,658,858, G>A on the plus strand (C>T on the coding strand, the complement: RPGRIP1L is on the minus strand). VCF-style: chr16-53658858-G-A. GRCh37 (hg19) VCF-style: chr16-53692770-G-A.
Other names: c.1264C>T, p.Gln422Ter (NM_001127897.4, NM_001308334.3, NM_001330538.2); short protein forms Q422*.
Identifiers: ClinVar variation 3580862 (VCV003580862.3).

ClinVar aggregate classification (germline): Likely pathogenic. Review status: criteria provided, multiple submitters, no conflicts (2 of 4 stars). 2 submissions from 2 submitters: Likely pathogenic (2). Last evaluated 2024-05-31.

Conditions:
Meckel syndrome, type 5 (MKS5). Identifiers: Orphanet 564, MedGen C1969052, MONDO:0012695, OMIM 611561.
Joubert syndrome 7 (JBTS7). Identifiers: Orphanet 220497, MedGen C1969053, MONDO:0012694, OMIM 611560.
COACH syndrome 3. Identifiers: MedGen C5436841, MONDO:0030862, OMIM 619113.

Submissions (2):

Fulgent Genetics
Classification: Likely pathogenic for Joubert syndrome 7; Meckel syndrome, type 5; COACH syndrome 3. Last evaluated: 2024-05-31. Review status: criteria provided, single submitter. Criteria: ACMG Guidelines, 2015. Collection method: clinical testing. Allele origin: germline.

Juno Genomics, Hangzhou Juno Genomics, Inc
Classification: Likely pathogenic for COACH syndrome 3; Joubert syndrome 7; Meckel syndrome, type 5. Review status: criteria provided, single submitter. Criteria: ACMG Guidelines, 2015. Collection method: clinical testing. Allele origin: germline.
Comment: Absent from controls (or at extremely low frequency if recessive) in Genome Aggregation Database.;Null variant in a gene where loss of function (LOF) is a known mechanism of disease.